The following is an entry in ClinVar:

ClinVar aggregate classification (germline): Benign/Likely benign. Review status: criteria provided, multiple submitters, no conflicts (2 of 4 stars). 13 submissions from 13 submitters: Benign (10); Likely benign (1). 2 of the submissions do not count toward it. Last evaluated 2026-02-04.

Conditions:
Primary ciliary dyskinesia. Also called: Ciliary dyskinesia. Identifiers: Orphanet 244, MedGen C0008780, MONDO:0016575, HP:0012265.
Primary ciliary dyskinesia 15. Also called: CILIARY DYSKINESIA, PRIMARY, 15, WITH OR WITHOUT SITUS INVERSUS. Identifiers: Orphanet 244, MedGen C3151137, MONDO:0013435, OMIM 613808.

Allele frequency attached by ClinVar (database versions not stated): gnomAD exomes 0.45074; ExAC 0.46326; TOPMed 0.47864; ESP Exome Variant Server 0.49195; gnomAD 0.49265 and 0.49481; 1000 Genomes Project 0.50160.
gnomAD v4.1: 737,701 of 1,612,434 alleles (46%); highest among the groups gnomAD compares: African/African-American, 61%; 171,762 homozygotes.

Submissions (13):

Labcorp Genetics (formerly Invitae), Labcorp
Classification: Benign for Primary ciliary dyskinesia. Last evaluated: 2026-02-04. Review status: criteria provided, single submitter. Criteria: Invitae Variant Classification Sherloc (09022015). Collection method: clinical testing. Allele origin: germline.

Blueprint Genetics
Classification: Likely benign. Last evaluated: 2024-11-28. Review status: criteria provided, single submitter. Criteria: ACMG Guidelines, 2015. Collection method: clinical testing. Allele origin: germline.

Mayo Clinic Laboratories, Mayo Clinic
Classification: Benign. Last evaluated: 2022-04-26. Review status: criteria provided, single submitter. Criteria: ACMG Guidelines, 2015. Collection method: clinical testing. Allele origin: germline. Observed: 129 variant alleles.

Genome-Nilou Lab
Classification: Benign for Primary ciliary dyskinesia 15. Last evaluated: 2021-07-14. Review status: criteria provided, single submitter. Criteria: ACMG Guidelines, 2015. Collection method: clinical testing. Allele origin: germline. Affected: no.

GeneDx
Classification: Benign. Last evaluated: 2018-07-05. Review status: criteria provided, single submitter. Criteria: GeneDx Variant Classification Process June 2021. Collection method: clinical testing. Allele origin: germline. Affected: yes.

Illumina Laboratory Services, Illumina
Classification: Benign for Primary ciliary dyskinesia 15. Last evaluated: 2018-01-13. Review status: criteria provided, single submitter. Criteria: ICSL Variant Classification Criteria 13 December 2019. Collection method: clinical testing. Allele origin: germline.
Comment: This variant was observed in the ICSL laboratory as part of a predisposition screen in an ostensibly healthy population. It had not been previously curated by ICSL or reported in the Human Gene Mutation Database (HGMD: prior to June 1st, 2018), and was therefore a candidate for classification through an automated scoring system. Utilizing variant allele frequency, disease prevalence and penetrance estimates, and inheritance mode, an automated score was calculated to assess if this variant is too frequent to cause the disease. Based on the score and internal cut-off values, a variant classified as benign is not then subjected to further curation. The score for this variant resulted in a classification of benign for this disease.

Ambry Genetics
Classification: Benign for Primary ciliary dyskinesia. Last evaluated: 2016-07-07. Review status: criteria provided, single submitter. Criteria: Ambry Variant Classification Scheme 2023. Collection method: clinical testing. Allele origin: germline.

Eurofins Ntd Llc (ga)
Classification: Benign. Last evaluated: 2014-05-07. Review status: criteria provided, single submitter. Criteria: EGL Classification Definitions 2015. Collection method: clinical testing. Allele origin: germline. Observed: 4 variant alleles, 4 homozygotes.

Laboratory for Molecular Medicine, Mass General Brigham Personalized Medicine
Classification: Benign. Last evaluated: 2013-02-21. Review status: criteria provided, single submitter. Criteria: LMM Criteria. Collection method: clinical testing. Allele origin: germline. Observed: 77 variant alleles.
Comment: Pro1139Pro in exon 20 of CCDC40: This variant is not expected to have clinical s ignificance because it does not alter an amino acid residue and is not located w ithin the splice consensus sequence. It has been identified in 44.7% (3724/8334) of European American chromosomes from a broad population by the NHLBI Exome Seq uencing Project (dbSNP rs2304854).

Breakthrough Genomics
Classification: Benign. Review status: criteria provided, single submitter. Criteria: ACMG Guidelines, 2015. Collection method: not provided. Allele origin: germline. Inheritance: Autosomal recessive inheritance. Affected: yes.

PreventionGenetics, part of Exact Sciences
Classification: Benign. Review status: criteria provided, single submitter. Criteria: ACMG Guidelines, 2015. Collection method: clinical testing. Allele origin: germline.

Clinical Genetics DNA and cytogenetics Diagnostics Lab, Erasmus MC, Erasmus Medical Center
Classification: Benign. Review status: no assertion criteria provided. Collection method: clinical testing. Allele origin: germline. Affected: yes. Study: VKGL Data-share Consensus. Not counted in ClinVar's aggregate classification.

Diagnostic Laboratory, Department of Genetics, University Medical Center Groningen
Classification: Benign for Primary ciliary dyskinesia 15. Review status: no assertion criteria provided. Collection method: clinical testing. Allele origin: germline. Affected: yes. Study: VKGL Data-share Consensus. Not counted in ClinVar's aggregate classification.

NM_017950.4(CCDC40):c.3417A>G (p.Pro1139=)

Gene: CCDC40 (coiled-coil domain 40 molecular ruler complex subunit; plus strand). Cytogenetic location: 17q25.3.
Variant type: single nucleotide variant.
Coding change: c.3417A>G on transcript NM_017950.4 (MANE Select); coding-DNA position 3417, A replaced by G.
Protein change: p.Pro1139=; no amino-acid change (proline 1139 retained).
Molecular consequence: synonymous variant.
Genome position (GRCh38, 1-based): chr17:80,099,763, A>G. VCF-style: chr17-80099763-A-G. GRCh37 (hg19) VCF-style: chr17-78073562-A-G.
Other names: p.Pro1139=.
Identifiers: ClinVar variation 178712 (VCV000178712.35), dbSNP rs2304854, ClinGen allele CA182836.